The following is an entry in ClinVar:

ClinVar aggregate classification (germline): Uncertain significance. Review status: criteria provided, multiple submitters, no conflicts (2 of 4 stars). 2 submissions from 2 submitters: Uncertain significance (2). Last evaluated 2024-03-11.

Conditions:
Intellectual developmental disorder, X-linked 90. Also called: DLG3-Related X-Linked Nonsyndromic Mental Retardation; Intellectual disability, X-linked 90. Identifiers: Orphanet 777, MedGen C3275443, MONDO:0010452, OMIM 300850.
Inborn genetic diseases. Identifiers: MedGen C0950123, MeSH D030342.

Allele frequency attached by ClinVar (database versions not stated): gnomAD exomes below 0.00001.
gnomAD v4.1: 2 of 1,200,677 alleles (0.00017%); highest among the groups gnomAD compares: East Asian, 0.003%; no homozygotes.

Submissions (2):

Ambry Genetics
Classification: Uncertain significance for Inborn genetic diseases. Last evaluated: 2024-03-11. Review status: criteria provided, single submitter. Criteria: Ambry Variant Classification Scheme 2023. Collection method: clinical testing. Allele origin: germline.

Neuberg Centre For Genomic Medicine, NCGM
Classification: Uncertain significance for Intellectual developmental disorder, X-linked 90. Last evaluated: 2023-07-22. Review status: criteria provided, single submitter. Criteria: ACMG Guidelines, 2015. Collection method: clinical testing. Allele origin: germline. Inheritance: X-linked recessive inheritance. Affected: yes.
Comment: The missense variant c.650G>A p.Arg217Gln in DLG3 gene has not been reported previously as a pathogenic variant nor as a benign variant, to our knowledge. The observed variant has allele frequency of 0.0006% in gnomAD exomes database. This variant has been submitted to the ClinVar database as Uncertain Significance VUS. Multiple lines of computational evidence Polyphen - probably damaging, SIFT - damaging and MutationTaster - disease causing predict a damaging effect on protein structure and function for this variant. The amino acid change p.Arg217Gln in DLG3 is predicted as conserved by GERP++ and PhyloP across 100 vertebrates. The amino acid Arg at position 217 is changed to a Gln changing protein sequence and it might alter its composition and physico-chemical properties. For these reasons, this variant has been classified as Uncertain Significance VUS.

NM_021120.4(DLG3):c.650G>A (p.Arg217Gln)

Gene: DLG3 (discs large MAGUK scaffold protein 3; plus strand). Cytogenetic location: Xq13.1.
Variant type: single nucleotide variant.
Coding change: c.650G>A on transcript NM_021120.4 (MANE Select); coding-DNA position 650, G replaced by A.
Protein change: p.Arg217Gln; replaces arginine 217 with glutamine.
Molecular consequence: missense variant.
Genome position (GRCh38, 1-based): chrX:70,449,806, G>A. VCF-style: chrX-70449806-G-A. GRCh37 (hg19) VCF-style: chrX-69669656-G-A.
Other names: short protein forms R217Q.
Identifiers: ClinVar variation 1753958 (VCV001753958.3), dbSNP rs1416208495, ClinGen allele CA413492395.